The following is an entry in ClinVar:

NM_001197104.2(KMT2A):c.7556G>A (p.Arg2519Gln)

Gene: KMT2A (lysine methyltransferase 2A; plus strand). Cytogenetic location: 11q23.3.
Variant type: single nucleotide variant.
Coding change: c.7556G>A on transcript NM_001197104.2 (MANE Select); coding-DNA position 7556, G replaced by A.
Protein change: p.Arg2519Gln; replaces arginine 2519 with glutamine.
Molecular consequence: missense variant.
Genome position (GRCh38, 1-based): chr11:118,503,448, G>A. VCF-style: chr11-118503448-G-A. GRCh37 (hg19) VCF-style: chr11-118374163-G-A.
Other names: c.7556G>A (NM_001197104.1); c.7547G>A, p.Arg2516Gln (NM_005933.4); short protein forms R2519Q, R2516Q.
Identifiers: ClinVar variation 1346202 (VCV001346202.9), dbSNP rs183240996, ClinGen allele CA6304412.

ClinVar aggregate classification (germline): Uncertain significance (1 of 4 stars; one submission).

Conditions:
Wiedemann-Steiner syndrome (WDSTS). Also called: Growth deficiency and mental retardation with facial dysmorphism. Identifiers: Orphanet 319182, MedGen C1854630, MONDO:0011518, OMIM 605130.

Allele frequency attached by ClinVar (database versions not stated): gnomAD 0.00001 and 0.00003; gnomAD exomes 0.00001 and 0.00002; ExAC 0.00002; TOPMed 0.00002; 1000 Genomes Project 30x 0.00031; 1000 Genomes Project 0.00040.
gnomAD v4.1: 18 of 1,614,038 alleles (0.0011%); highest among the groups gnomAD compares: East Asian, 0.018%; no homozygotes.

Submission:

Labcorp Genetics (formerly Invitae), Labcorp
Classification: Uncertain significance. Last evaluated: 2024-12-04. Review status: criteria provided, single submitter. Criteria: Invitae Variant Classification Sherloc (09022015). Collection method: clinical testing. Allele origin: germline.
Comment: This sequence change replaces arginine, which is basic and polar, with glutamine, which is neutral and polar, at codon 2519 of the KMT2A protein (p.Arg2519Gln). This variant is present in population databases (rs183240996, gnomAD 0.01%). This variant has not been reported in the literature in individuals affected with KMT2A-related conditions. ClinVar contains an entry for this variant (Variation ID: 1346202). Invitae Evidence Modeling of protein sequence and biophysical properties (such as structural, functional, and spatial information, amino acid conservation, physicochemical variation, residue mobility, and thermodynamic stability) indicates that this missense variant is not expected to disrupt KMT2A protein function with a negative predictive value of 95%. In summary, the available evidence is currently insufficient to determine the role of this variant in disease. Therefore, it has been classified as a Variant of Uncertain Significance.